The following is an entry in ClinVar:

NM_015030.2(FRYL):c.7208A>G (p.Glu2403Gly)

Gene: FRYL (FRY like transcription coactivator; minus strand). Cytogenetic location: 4p11.
Variant type: single nucleotide variant.
Coding change: c.7208A>G on transcript NM_015030.2 (MANE Select); coding-DNA position 7208, A replaced by G.
Protein change: p.Glu2403Gly; replaces glutamic acid 2403 with glycine.
Molecular consequence: missense variant.
Genome position (GRCh38, 1-based): chr4:48,527,586, T>C on the plus strand (A>G on the coding strand, the complement: FRYL is on the minus strand). VCF-style: chr4-48527586-T-C. GRCh37 (hg19) VCF-style: chr4-48529603-T-C.
Other names: short protein forms E2403G.
Identifiers: ClinVar variation 4681139 (VCV004681139.1).

ClinVar aggregate classification (germline): Uncertain significance (1 of 4 stars; one submission).

Submission:

GeneDx
Classification: Uncertain significance. Last evaluated: 2025-07-02. Review status: criteria provided, single submitter. Criteria: GeneDx Variant Classification Process June 2021. Collection method: clinical testing. Allele origin: germline. Affected: yes.
Comment: Not observed at significant frequency in large population cohorts (gnomAD); In silico analysis supports that this missense variant has a deleterious effect on protein structure/function; Has not been previously published as pathogenic or benign to our knowledge